The following is an entry in ClinVar:

ClinVar aggregate classification (germline): Uncertain significance (1 of 4 stars; one submission).

Submission:

Labcorp Genetics (formerly Invitae), Labcorp
Classification: Uncertain significance. Last evaluated: 2024-10-29. Review status: criteria provided, single submitter. Criteria: Invitae Variant Classification Sherloc (09022015). Collection method: clinical testing. Allele origin: germline.
Comment: This sequence change replaces tyrosine, which is neutral and polar, with histidine, which is basic and polar, at codon 243 of the DSCAML1 protein (p.Tyr243His). This variant is not present in population databases (gnomAD no frequency). This variant has not been reported in the literature in individuals affected with DSCAML1-related conditions. An algorithm developed to predict the effect of missense changes on protein structure and function (PolyPhen-2) suggests that this variant is likely to be disruptive. In summary, the available evidence is currently insufficient to determine the role of this variant in disease. Therefore, it has been classified as a Variant of Uncertain Significance.

NM_020693.4(DSCAML1):c.547T>C (p.Tyr183His)

Gene: DSCAML1 (DS cell adhesion molecule like 1; minus strand). Cytogenetic location: 11q23.3.
Variant type: single nucleotide variant.
Coding change: c.547T>C on transcript NM_020693.4 (MANE Select); coding-DNA position 547, T replaced by C.
Protein change: p.Tyr183His; replaces tyrosine 183 with histidine.
Molecular consequence: missense variant.
Genome position (GRCh38, 1-based): chr11:117,532,487, A>G on the plus strand (T>C on the coding strand, the complement: DSCAML1 is on the minus strand). VCF-style: chr11-117532487-A-G. GRCh37 (hg19) VCF-style: chr11-117403202-A-G.
Other names: c.547T>C, p.Tyr183His (NM_001367904.1); c.139T>C, p.Tyr47His (NM_001367905.1); short protein forms Y183H, Y47H.
Identifiers: ClinVar variation 3660132 (VCV003660132.2).
Genomic context (GRCh38, chr11:117,532,487, plus strand): 5'-TGTGCTTGGTGATGCAGCGATAGGTGGAGAGGGCGTCCTCCTTCTGTACGTCAGAGATGT[A>G]CAGCCCGCCGTGGTAGGTAATAAAAAACCTGTGTTCTGGAGACACAATCAGGACATAGTT-3'
Protein context (NP_065744.3, residues 173-193): RFFITYHGGL[Tyr183His]ISDVQKEDAL